The following is an entry in ClinVar:

ClinVar aggregate classification (germline): Uncertain significance (1 of 4 stars; one submission).

Conditions:
Congenital myasthenic syndrome 4A. Also called: Myasthenic syndrome, congenital, 4a, slow-channel; MYASTHENIC SYNDROME, CONGENITAL, 4A, SLOW-CHANNEL, AUTOSOMAL RECESSIVE; CONGENITAL MYASTHENIC SYNDROME TYPE Ia1. Identifiers: Orphanet 590, MedGen C4225413, MONDO:0011600, OMIM 605809.

Submission:

Labcorp Genetics (formerly Invitae), Labcorp
Classification: Uncertain significance for Congenital myasthenic syndrome 4A. Last evaluated: 2022-05-05. Review status: criteria provided, single submitter. Criteria: Invitae Variant Classification Sherloc (09022015). Collection method: clinical testing. Allele origin: germline.
Comment: In summary, the available evidence is currently insufficient to determine the role of this variant in disease. Therefore, it has been classified as a Variant of Uncertain Significance. Advanced modeling of protein sequence and biophysical properties (such as structural, functional, and spatial information, amino acid conservation, physicochemical variation, residue mobility, and thermodynamic stability) performed at Invitae indicates that this missense variant is not expected to disrupt CHRNE protein function. This variant has not been reported in the literature in individuals affected with CHRNE-related conditions. This variant is not present in population databases (gnomAD no frequency). This sequence change replaces alanine, which is neutral and non-polar, with valine, which is neutral and non-polar, at codon 461 of the CHRNE protein (p.Ala461Val).

NM_000080.4(CHRNE):c.1382C>T (p.Ala461Val)

Gene: CHRNE (cholinergic receptor nicotinic epsilon subunit; minus strand). Cytogenetic location: 17p13.2.
Variant type: single nucleotide variant.
Coding change: c.1382C>T on transcript NM_000080.4 (MANE Select); coding-DNA position 1382, C replaced by T.
Protein change: p.Ala461Val; replaces alanine 461 with valine.
Molecular consequence: missense variant.
Genome position (GRCh38, 1-based): chr17:4,898,836, G>A on the plus strand (C>T on the coding strand, the complement: CHRNE is on the minus strand). VCF-style: chr17-4898836-G-A. GRCh37 (hg19) VCF-style: chr17-4802131-G-A.
Other names: short protein forms A461V.
Identifiers: ClinVar variation 1980039 (VCV001980039.3), dbSNP rs1419384371, ClinGen allele CA397297664.